The following is an entry in ClinVar:

Single allele

Gene: C2orf80 (chromosome 2 open reading frame 80; minus strand). Cytogenetic location: 2q33.3.
Variant type: Deletion.
Identifiers: ClinVar variation 156814 (VCV000156814.2).

ClinVar aggregate classification (germline): not provided (0 of 4 stars; one submission).

Conditions:
Small for gestational age. Also called: Low birth weight. Identifiers: MedGen C0235991, HP:0001518.

Submission:

Institute of Molecular and Cell Biology, University of Tartu
No classification provided. Condition: Small for gestational age. Review status: no classification provided. Collection method: case-control. Allele origin: unknown. Affected: yes. Study: Kasak2014.
Comment: The study aimed to determine the contribution of copy number variants in the genetic etiology of normal and complicated pregnancies. The samples represented (i) maternal blood DNA drawn from healthy pregnant women during 1st or 2nd trimester and (ii) maternal and paternal blood DNA drawn at term pregnancy cases representing normal and complicated gestations (severe preeclampsia, PE; gestational diabetes, GD; small-for-gestational age newborn, SGA; large-for-gestational age newborn, LGA). We performed CNV calling based on genome-wide genotyping dataset (Illumina HumanOmniExpress-24-v1 BeadChip) by applying three algorithms, QuantiSNP, GADA (Genome Alteration Detection Algorithm) and CNstream in parallel. The acquired CNV calls were merged with HD-CNV (Hotspot Detector for Copy Number Variants) program and only the CNVs predicted by at least two programs, were considered in subsequent analysis.

Literature cited by the submitters: PubMed 25666259.